The following is an entry in ClinVar:

NM_004260.4(RECQL4):c.2143C>T (p.Arg715Trp)

Gene: RECQL4 (RecQ like helicase 4; minus strand). Cytogenetic location: 8q24.3.
Variant type: single nucleotide variant.
Coding change: c.2143C>T on transcript NM_004260.4 (MANE Select); coding-DNA position 2143, C replaced by T.
Protein change: p.Arg715Trp; replaces arginine 715 with tryptophan.
Molecular consequence: missense variant.
Genome position (GRCh38, 1-based): chr8:144,513,628, G>A on the plus strand (C>T on the coding strand, the complement: RECQL4 is on the minus strand). VCF-style: chr8-144513628-G-A. GRCh37 (hg19) VCF-style: chr8-145739012-G-A.
Other names: short protein forms R715W.
Identifiers: ClinVar variation 407017 (VCV000407017.32), dbSNP rs373292946, ClinGen allele CA4948448.

ClinVar aggregate classification (germline): Uncertain significance. Review status: criteria provided, multiple submitters, no conflicts (2 of 4 stars). 3 submissions from 3 submitters: Uncertain significance (3). Last evaluated 2025-08-04.

Conditions:
Baller-Gerold syndrome (BGS). Also called: CRANIOSYNOSTOSIS WITH RADIAL DEFECTS. Identifiers: Orphanet 1225, MedGen C0265308, MONDO:0009039, OMIM 218600.

Allele frequency attached by ClinVar (database versions not stated): gnomAD exomes 0.00008 and 0.00010; TOPMed 0.00008; ExAC 0.00011; gnomAD 0.00011; ESP Exome Variant Server 0.00024.
gnomAD v4.1: 163 of 1,599,838 alleles (0.01%); highest among the groups gnomAD compares: Non-Finnish European, 0.012%; no homozygotes.

Submissions (3):

Labcorp Genetics (formerly Invitae), Labcorp
Classification: Uncertain significance for Baller-Gerold syndrome. Last evaluated: 2025-08-04. Review status: criteria provided, single submitter. Criteria: Invitae Variant Classification Sherloc (09022015). Collection method: clinical testing. Allele origin: germline.
Comment: This sequence change replaces arginine, which is basic and polar, with tryptophan, which is neutral and slightly polar, at codon 715 of the RECQL4 protein (p.Arg715Trp). This variant is present in population databases (rs373292946, gnomAD 0.01%). This variant has not been reported in the literature in individuals affected with RECQL4-related conditions. ClinVar contains an entry for this variant (Variation ID: 407017). Invitae Evidence Modeling of protein sequence and biophysical properties (such as structural, functional, and spatial information, amino acid conservation, physicochemical variation, residue mobility, and thermodynamic stability) indicates that this missense variant is expected to disrupt RECQL4 protein function with a positive predictive value of 80%. In summary, the available evidence is currently insufficient to determine the role of this variant in disease. Therefore, it has been classified as a Variant of Uncertain Significance.

CeGaT Center for Human Genetics Tuebingen
Classification: Uncertain significance. Last evaluated: 2024-03-01. Review status: criteria provided, single submitter. Criteria: CeGaT Center For Human Genetics Tuebingen Variant Classification Criteria Version 2. Collection method: clinical testing. Allele origin: germline. Affected: yes. Observed: 1 variant allele.
Comment: RECQL4: PM2

Institute for Clinical Genetics, University Hospital TU Dresden, University Hospital TU Dresden
Classification: Uncertain significance. Last evaluated: 2021-11-03. Review status: criteria provided, single submitter. Criteria: ACMG Guidelines, 2015. Collection method: clinical testing. Allele origin: germline.